The following is an entry in ClinVar:

NM_021927.3(GUF1):c.809T>C (p.Ile270Thr)

Gene: GUF1 (GTP binding elongation factor GUF1; plus strand). Cytogenetic location: 4p12.
Variant type: single nucleotide variant.
Coding change: c.809T>C on transcript NM_021927.3 (MANE Select); coding-DNA position 809, T replaced by C.
Protein change: p.Ile270Thr; replaces isoleucine 270 with threonine.
Molecular consequence: missense variant. On other transcripts: 5 prime UTR variant (2).
Genome position (GRCh38, 1-based): chr4:44,686,584, T>C. VCF-style: chr4-44686584-T-C. GRCh37 (hg19) VCF-style: chr4-44688601-T-C.
Other names: c.-164T>C (NM_001345867.2, NM_001345869.2); c.809T>C, p.Ile270Thr (NM_001345868.2); c.809T>C (NM_021927.2); short protein forms I270T.
Identifiers: ClinVar variation 809633 (VCV000809633.51), dbSNP rs754081165, ClinGen allele CA2905445.
Genomic context (GRCh38, chr4:44,686,584, plus strand): 5'-GCAAAAATCCTCTGAGAGCTTTGGTATTTGACTCCACCTTTGACCAGTATAGAGGTGTGA[T>C]AGCCAATGTAGCATTATTTGACGGAGTGGTTTCCAAAGGAGATAAAATTGTATCTGCACA-3'
Protein context (NP_068746.2, residues 260-280): DSTFDQYRGV[Ile270Thr]ANVALFDGVV

ClinVar aggregate classification (germline): Uncertain significance. Review status: criteria provided, multiple submitters, no conflicts (2 of 4 stars). 5 submissions from 5 submitters: Uncertain significance (5). Last evaluated 2024-10-24.

Conditions:
Developmental and epileptic encephalopathy, 40 (DEE40). Also called: Epileptic encephalopathy, early infantile, 40. Identifiers: Orphanet 3451, MedGen C4310737, MONDO:0014895, OMIM 617065.

Allele frequency attached by ClinVar (database versions not stated): ExAC 0.00002; gnomAD 0.00002; gnomAD exomes 0.00002; TOPMed 0.00002.

Submissions (5):

Blueprint Genetics
Classification: Uncertain significance. Last evaluated: 2024-10-24. Review status: criteria provided, single submitter. Criteria: ACMG Guidelines, 2015. Collection method: clinical testing. Allele origin: germline.

Genomic Medicine Center of Excellence, King Faisal Specialist Hospital and Research Centre
Classification: Uncertain significance for Developmental and epileptic encephalopathy, 40. Last evaluated: 2024-09-22. Review status: criteria provided, single submitter. Criteria: ACMG Guidelines, 2015. Collection method: clinical testing. Allele origin: germline.

Labcorp Genetics (formerly Invitae), Labcorp
Classification: Uncertain significance. Last evaluated: 2024-02-27. Review status: criteria provided, single submitter. Criteria: Invitae Variant Classification Sherloc (09022015). Collection method: clinical testing. Allele origin: germline.
Comment: This sequence change replaces isoleucine, which is neutral and non-polar, with threonine, which is neutral and polar, at codon 270 of the GUF1 protein (p.Ile270Thr). This variant is present in population databases (rs754081165, gnomAD 0.002%). This variant has not been reported in the literature in individuals affected with GUF1-related conditions. ClinVar contains an entry for this variant (Variation ID: 809633). Advanced modeling of protein sequence and biophysical properties (such as structural, functional, and spatial information, amino acid conservation, physicochemical variation, residue mobility, and thermodynamic stability) performed at Invitae indicates that this missense variant is not expected to disrupt GUF1 protein function with a negative predictive value of 80%. In summary, the available evidence is currently insufficient to determine the role of this variant in disease. Therefore, it has been classified as a Variant of Uncertain Significance.

Ambry Genetics
Classification: Uncertain significance. Last evaluated: 2023-11-20. Review status: criteria provided, single submitter. Criteria: Ambry Variant Classification Scheme 2023. Collection method: clinical testing. Allele origin: germline.

CeGaT Center for Human Genetics Tuebingen
Classification: Uncertain significance. Last evaluated: 2018-04-01. Review status: criteria provided, single submitter. Criteria: CeGaT Center For Human Genetics Tuebingen Variant Classification Criteria Version 2. Collection method: clinical testing. Allele origin: germline. Affected: yes. Observed: 1 variant allele.